The following is an entry in ClinVar:

NM_001005361.3(DNM2):c.2593_2597del (p.Glu865fs)

Gene: DNM2 (dynamin 2; plus strand). Cytogenetic location: 19p13.2.
Variant type: Deletion.
Coding change: c.2593_2597del on transcript NM_001005361.3 (MANE Select); coding-DNA positions 2593 to 2597, 5 bases deleted (GAGCC; older notation c.2593_2597delGAGCC).
Protein change: p.Glu865fs; shifts the reading frame from glutamic acid 865.
Molecular consequence: frameshift variant.
Genome position (GRCh38, 1-based): chr19:10,831,027-10,831,031, GAGCC deleted; deleting any 5 consecutive bases within chr19:10,831,023-10,831,031 gives the same sequence; the c. name uses the placement nearest the transcript's 3' end. VCF-style (leftmost placement, unchanged base first): chr19-10831022-CAGCCG-C. GRCh37 (hg19) VCF-style: chr19-10941698-CAGCCG-C.
Other names: c.2593_2597del, p.Glu865fs (NM_001005360.3); c.2581_2585del, p.Glu861fs (NM_001005362.3, NM_004945.4); c.2590_2594del, p.Glu864fs (NM_001190716.2); short protein forms E865fs, E861fs, E864fs.
Identifiers: ClinVar variation 2011099 (VCV002011099.4), dbSNP rs2513383246, ClinGen allele CA2580096238.

ClinVar aggregate classification (germline): Uncertain significance (1 of 4 stars; one submission).

Conditions:
Charcot-Marie-Tooth disease dominant intermediate B (CMTDIB). Also called: Charcot-Marie-Tooth disease dominant intermediate 1; CMT DI1; Charcot-Marie-Tooth disease dominant intermediate I; CHARCOT-MARIE-TOOTH NEUROPATHY, DOMINANT INTERMEDIATE B. Identifiers: Orphanet 100044, Orphanet 228179, MedGen C1847902, MONDO:0011674, OMIM 606482.

Submission:

Labcorp Genetics (formerly Invitae), Labcorp
Classification: Uncertain significance for Charcot-Marie-Tooth disease dominant intermediate B. Last evaluated: 2022-07-26. Review status: criteria provided, single submitter. Criteria: Invitae Variant Classification Sherloc (09022015). Collection method: clinical testing. Allele origin: germline.
Comment: In summary, the available evidence is currently insufficient to determine the role of this variant in disease. Therefore, it has been classified as a Variant of Uncertain Significance. Experimental studies and prediction algorithms are not available or were not evaluated, and the functional significance of this variant is currently unknown. This variant has not been reported in the literature in individuals affected with DNM2-related conditions. This variant is not present in population databases (gnomAD no frequency). This sequence change results in a frameshift in the DNM2 gene (p.Glu865Ilefs*98). While this is not anticipated to result in nonsense mediated decay, it is expected to disrupt the last 6 amino acid(s) of the DNM2 protein and extend the protein by 91 additional amino acid residues.